The following is an entry in ClinVar:

NM_001184.4(ATR):c.7013dup (p.Met2339fs)

Gene: ATR (ATR checkpoint kinase; minus strand). Cytogenetic location: 3q23.
Variant type: Duplication.
Coding change: c.7013dup on transcript NM_001184.4 (MANE Select); coding-DNA position 7013, one base duplicated (T; older notation c.7013dupT).
Protein change: p.Met2339fs; shifts the reading frame from methionine 2339.
Molecular consequence: frameshift variant.
Genome position (GRCh38, 1-based): chr3:142,465,125, A duplicated on the plus strand (T on the coding strand, the reverse complement: ATR is on the minus strand). VCF-style (leftmost placement, unchanged base first): chr3-142465124-T-TA. GRCh37 (hg19) VCF-style: chr3-142183966-T-TA.
Other names: c.6821dup, p.Met2275fs (NM_001354579.2); short protein forms M2275fs, M2339fs.
Identifiers: ClinVar variation 2151223 (VCV002151223.4), dbSNP rs1257971001, ClinGen allele CA354800520.

ClinVar aggregate classification (germline): Pathogenic (1 of 4 stars; one submission).

Allele frequency attached by ClinVar (database versions not stated): gnomAD 0.00001; gnomAD exomes 0.00001; TOPMed 0.00001; ESP Exome Variant Server 0.00008.

Submission:

Labcorp Genetics (formerly Invitae), Labcorp
Classification: Pathogenic. Last evaluated: 2022-04-20. Review status: criteria provided, single submitter. Criteria: Invitae Variant Classification Sherloc (09022015). Collection method: clinical testing. Allele origin: germline.
Comment: This sequence change creates a premature translational stop signal (p.Met2339Asnfs*8) in the ATR gene. It is expected to result in an absent or disrupted protein product. Loss-of-function variants in ATR are known to be pathogenic (PMID: 21228398, 23144622). For these reasons, this variant has been classified as Pathogenic. This variant has not been reported in the literature in individuals affected with ATR-related conditions. This variant is present in population databases (no rsID available, gnomAD 0.0009%).

Literature cited by the submitters: PubMed 21228398; PubMed 23144622.